The following is an entry in ClinVar:

NM_032242.4(PLXNA1):c.1786G>A (p.Val596Ile)

Gene: PLXNA1 (plexin A1; plus strand). Cytogenetic location: 3q21.3.
Variant type: single nucleotide variant.
Coding change: c.1786G>A on transcript NM_032242.4 (MANE Select); coding-DNA position 1786, G replaced by A.
Protein change: p.Val596Ile; replaces valine 596 with isoleucine.
Molecular consequence: missense variant.
Genome position (GRCh38, 1-based): chr3:127,005,132, G>A. VCF-style: chr3-127005132-G-A. GRCh37 (hg19) VCF-style: chr3-126723975-G-A.
Other names: c.1786G>A (NM_032242.3); short protein forms V596I.
Identifiers: ClinVar variation 2189897 (VCV002189897.25), dbSNP rs200374384, ClinGen allele CA2593366.

ClinVar aggregate classification (germline): Conflicting classifications of pathogenicity. Review status: criteria provided, conflicting classifications (1 of 4 stars). 3 submissions from 3 submitters: Uncertain significance (1); Likely benign (1). 1 of the submissions does not count toward it. Last evaluated 2025-12-10.

Conditions:
PLXNA1-related disorder. Also called: PLXNA1-related condition.

Allele frequency attached by ClinVar (database versions not stated): TOPMed 0.00010; gnomAD 0.00015; ExAC 0.00025.
gnomAD v4.1: 181 of 1,612,762 alleles (0.011%); highest among the groups gnomAD compares: Non-Finnish European, 0.011%; no homozygotes.

Submissions (3):

Labcorp Genetics (formerly Invitae), Labcorp
Classification: Uncertain significance. Last evaluated: 2025-12-10. Review status: criteria provided, single submitter. Criteria: Invitae Variant Classification Sherloc (09022015). Collection method: clinical testing. Allele origin: germline.
Comment: This sequence change replaces valine, which is neutral and non-polar, with isoleucine, which is neutral and non-polar, at codon 596 of the PLXNA1 protein (p.Val596Ile). This variant is present in population databases (rs200374384, gnomAD 0.04%). This variant has not been reported in the literature in individuals affected with PLXNA1-related conditions. ClinVar contains an entry for this variant (Variation ID: 2189897). An algorithm developed to predict the effect of missense changes on protein structure and function outputs the following: PolyPhen-2: "Benign". The isoleucine amino acid residue is found in multiple mammalian species, which suggests that this missense change does not adversely affect protein function. In summary, the available evidence is currently insufficient to determine the role of this variant in disease. Therefore, it has been classified as a Variant of Uncertain Significance.

CeGaT Center for Human Genetics Tuebingen
Classification: Likely benign. Last evaluated: 2023-12-01. Review status: criteria provided, single submitter. Criteria: CeGaT Center For Human Genetics Tuebingen Variant Classification Criteria Version 2. Collection method: clinical testing. Allele origin: germline. Affected: yes. Observed: 1 variant allele.
Comment: PLXNA1: BP4

PreventionGenetics, part of Exact Sciences
Classification: Uncertain significance for PLXNA1-related condition. Last evaluated: 2024-08-22. Review status: no assertion criteria provided. Collection method: clinical testing. Allele origin: germline. Not counted in ClinVar's aggregate classification.
Comment: The PLXNA1 c.1786G>A variant is predicted to result in the amino acid substitution p.Val596Ile. To our knowledge, this variant has not been reported in the literature in association with PLXNA1-related disease. This variant is reported in 0.040% of alleles in individuals of European (Finnish) descent in gnomAD. At this time, the clinical significance of this variant is uncertain due to the absence of conclusive functional and genetic evidence.